The following is an entry in ClinVar:

NM_000059.4(BRCA2):c.7126_7127del (p.Ala2376fs)

Gene: BRCA2 (BRCA2 DNA repair associated; plus strand). Cytogenetic location: 13q13.1.
Variant type: Deletion.
Coding change: c.7126_7127del on transcript NM_000059.4 (MANE Select); coding-DNA positions 7126 to 7127, 2 bases deleted (GC; older notation c.7126_7127delGC).
Protein change: p.Ala2376fs; shifts the reading frame from alanine 2376.
Molecular consequence: frameshift variant.
Genome position (GRCh38, 1-based): chr13:32,354,979-32,354,980, GC deleted. VCF-style (leftmost placement, unchanged base first): chr13-32354978-AGC-A. GRCh37 (hg19) VCF-style: chr13-32929115-AGC-A.
Other names: c.7126_7127del (NM_000059.3); c.7126_7127delGC (NM_000059.3); short protein forms A2376fs.
Identifiers: ClinVar variation 1070668 (VCV001070668.12), dbSNP rs2137556120, ClinGen allele CA2499222272.

ClinVar aggregate classification (germline): Pathogenic. Review status: criteria provided, multiple submitters, no conflicts (2 of 4 stars). 3 submissions from 3 submitters: Pathogenic (3). Last evaluated 2023-07-07.

Conditions:
Hereditary breast ovarian cancer syndrome. Also called: Hereditary breast and ovarian cancer syndrome (HBOC); Hereditary breast and/or ovarian cancer syndrome; Hereditary breast and ovarian cancer; BRCA1- and BRCA2-Associated Hereditary Breast and Ovarian Cancer; Hereditary breast and ovarian cancer syndrome; Breast and ovarian cancer. Identifiers: Orphanet 145, MedGen C0677776, MeSH D061325, MONDO:0003582. Disease mechanism: loss of function.
Hereditary cancer-predisposing syndrome. Also called: Tumor predisposition; Hereditary neoplastic syndrome; Neoplastic Syndromes, Hereditary; Hereditary Cancer Syndrome. Identifiers: Orphanet 140162, MedGen C0027672, MeSH D009386, MONDO:0015356.

Submissions (3):

Quest Diagnostics Nichols Institute San Juan Capistrano
Classification: Pathogenic. Last evaluated: 2023-07-07. Review status: criteria provided, single submitter. Criteria: Quest Diagnostics criteria. Collection method: clinical testing. Allele origin: unknown.
Comment: This variant alters the translational reading frame of the BRCA2 mRNA and causes the premature termination of BRCA2 protein synthesis. This variant has not been reported in the published literature. It also has not been reported in large, multi-ethnic general populations (Genome Aggregation Database). Based on the available information, this variant is classified as pathogenic.

Ambry Genetics
Classification: Pathogenic for Hereditary cancer-predisposing syndrome. Last evaluated: 2022-10-25. Review status: criteria provided, single submitter. Criteria: Ambry Variant Classification Scheme 2023. Collection method: clinical testing. Allele origin: germline.
Comment: The c.7126_7127delGC pathogenic mutation, located in coding exon 13 of the BRCA2 gene, results from a deletion of two nucleotides at nucleotide positions 7126 to 7127, causing a translational frameshift with a predicted alternate stop codon (p.A2376Sfs*15). This variant is considered to be rare based on population cohorts in the Genome Aggregation Database (gnomAD). This alteration is expected to result in loss of function by premature protein truncation or nonsense-mediated mRNA decay. As such, this alteration is interpreted as a disease-causing mutation.

Labcorp Genetics (formerly Invitae), Labcorp
Classification: Pathogenic for Hereditary breast ovarian cancer syndrome. Last evaluated: 2020-01-25. Review status: criteria provided, single submitter. Criteria: Invitae Variant Classification Sherloc (09022015). Collection method: clinical testing. Allele origin: germline.
Comment: This sequence change creates a premature translational stop signal (p.Ala2376Serfs*15) in the BRCA2 gene. It is expected to result in an absent or disrupted protein product. This variant is not present in population databases (ExAC no frequency). This variant has not been reported in the literature in individuals with BRCA2-related conditions. Loss-of-function variants in BRCA2 are known to be pathogenic (PMID: 20104584). For these reasons, this variant has been classified as Pathogenic.

Literature cited by the submitters: PubMed 20104584 (cited by Labcorp Genetics (formerly Invitae), Labcorp).